The following is an entry in ClinVar:

NM_014317.5(PDSS1):c.163-216T>A

Gene: PDSS1 (decaprenyl diphosphate synthase subunit 1; plus strand). Cytogenetic location: 10p12.1.
Variant type: single nucleotide variant.
Coding change: c.163-216T>A on transcript NM_014317.5 (MANE Select); 216 bases into the intron before coding-DNA position 163, T replaced by A.
Molecular consequence: intron variant.
Genome position (GRCh38, 1-based): chr10:26,704,461, T>A. VCF-style: chr10-26704461-T-A. GRCh37 (hg19) VCF-style: chr10-26993390-T-A.
Other names: c.-431-216T>A (NM_001321979.2); c.163-216T>A (NM_001321978.2).
Identifiers: ClinVar variation 683440 (VCV000683440.1), dbSNP rs1748354, ClinGen allele CA15654779.

ClinVar aggregate classification (germline): Benign (1 of 4 stars; one submission).

Allele frequency attached by ClinVar (database versions not stated): 1000 Genomes Project 0.45068; 1000 Genomes Project 30x 0.45378; TOPMed 0.51586; gnomAD 0.52163 and 0.52491.
gnomAD v4.1: 79,381 of 151,968 alleles (52%); highest among the groups gnomAD compares: Middle Eastern, 63%; 21,799 homozygotes.

Submission:

GeneDx
Classification: Benign. Last evaluated: 2018-06-14. Review status: criteria provided, single submitter. Criteria: GeneDx Variant Classification (06012015). Collection method: clinical testing. Allele origin: germline. Affected: yes.
Comment: This variant is considered likely benign or benign based on one or more of the following criteria: it is a conservative change, it occurs at a poorly conserved position in the protein, it is predicted to be benign by multiple in silico algorithms, and/or has population frequency not consistent with disease.